The following is an entry in ClinVar:

ClinVar aggregate classification (germline): Uncertain significance (1 of 4 stars; one submission).

Conditions:
Noonan syndrome 9 (NS9). Identifiers: Orphanet 648, MedGen C4225282, MONDO:0014691, OMIM 616559.

Submission:

Labcorp Genetics (formerly Invitae), Labcorp
Classification: Uncertain significance for Noonan syndrome 9. Last evaluated: 2023-11-16. Review status: criteria provided, single submitter. Criteria: Invitae Variant Classification Sherloc (09022015). Collection method: clinical testing. Allele origin: germline.
Comment: This sequence change replaces leucine, which is neutral and non-polar, with serine, which is neutral and polar, at codon 611 of the SOS2 protein (p.Leu611Ser). This variant is not present in population databases (gnomAD no frequency). This variant has not been reported in the literature in individuals affected with SOS2-related conditions. Advanced modeling of protein sequence and biophysical properties (such as structural, functional, and spatial information, amino acid conservation, physicochemical variation, residue mobility, and thermodynamic stability) performed at Invitae indicates that this missense variant is expected to disrupt SOS2 protein function with a positive predictive value of 95%. In summary, the available evidence is currently insufficient to determine the role of this variant in disease. Therefore, it has been classified as a Variant of Uncertain Significance.

NM_006939.4(SOS2):c.1832T>C (p.Leu611Ser)

Gene: SOS2 (SOS Ras/Rho guanine nucleotide exchange factor 2; minus strand). Cytogenetic location: 14q21.3.
Variant type: single nucleotide variant.
Coding change: c.1832T>C on transcript NM_006939.4 (MANE Select); coding-DNA position 1832, T replaced by C.
Protein change: p.Leu611Ser; replaces leucine 611 with serine.
Molecular consequence: missense variant.
Genome position (GRCh38, 1-based): chr14:50,159,451, A>G on the plus strand (T>C on the coding strand, the complement: SOS2 is on the minus strand). VCF-style: chr14-50159451-A-G. GRCh37 (hg19) VCF-style: chr14-50626169-A-G.
Other names: c.1733T>C, p.Leu578Ser (NM_001411020.1); short protein forms L578S, L611S.
Identifiers: ClinVar variation 2696348 (VCV002696348.3), dbSNP rs2502987752, ClinGen allele CA389644870.